The following is an entry in ClinVar:

ClinVar aggregate classification (germline): Uncertain significance (1 of 4 stars; one submission).

gnomAD v4.1: 9 of 1,614,004 alleles (0.00056%); highest among the groups gnomAD compares: Admixed American, 0.005%; no homozygotes.

Submission:

Labcorp Genetics (formerly Invitae), Labcorp
Classification: Uncertain significance. Last evaluated: 2025-08-26. Review status: criteria provided, single submitter. Criteria: Invitae Variant Classification Sherloc (09022015). Collection method: clinical testing. Allele origin: germline.
Comment: This sequence change replaces glycine, which is neutral and non-polar, with arginine, which is basic and polar, at codon 575 of the DDR2 protein (p.Gly575Arg). This variant is present in population databases (no rsID available, gnomAD 0.006%). This variant has not been reported in the literature in individuals affected with DDR2-related conditions. An algorithm developed to predict the effect of missense changes on protein structure and function (PolyPhen-2) suggests that this variant is likely to be disruptive. In summary, the available evidence is currently insufficient to determine the role of this variant in disease. Therefore, it has been classified as a Variant of Uncertain Significance.

NM_006182.4(DDR2):c.1723G>C (p.Gly575Arg)

Gene: DDR2 (discoidin domain receptor tyrosine kinase 2; plus strand). Cytogenetic location: 1q23.3.
Variant type: single nucleotide variant.
Coding change: c.1723G>C on transcript NM_006182.4 (MANE Select); coding-DNA position 1723, G replaced by C.
Protein change: p.Gly575Arg; replaces glycine 575 with arginine.
Molecular consequence: missense variant.
Genome position (GRCh38, 1-based): chr1:162,772,242, G>C. VCF-style: chr1-162772242-G-C. GRCh37 (hg19) VCF-style: chr1-162742032-G-C.
Other names: c.1723G>C, p.Gly575Arg (NM_001014796.3, NM_001354982.2, NM_001354983.2); short protein forms G575R.
Identifiers: ClinVar variation 4701000 (VCV004701000.1).